The following is an entry in ClinVar:

ClinVar aggregate classification (germline): Uncertain significance. Review status: criteria provided, multiple submitters, no conflicts (2 of 4 stars). 3 submissions from 3 submitters: Uncertain significance (3). Last evaluated 2026-06-16.

Conditions:
Inborn genetic diseases. Identifiers: MedGen C0950123, MeSH D030342.
Benign recurrent intrahepatic cholestasis type 1. Also called: Mild-to-Moderate ATP8B1 Deficiency (Benign Recurrent Intrahepatic Cholestasis 1 [BRIC1]); SUMMERSKILL SYNDROME. Identifiers: Orphanet 65682, Orphanet 99960, MedGen C4551899, MONDO:0009469, OMIM 243300.
ATP8B1-related disorder. Also called: ATP8B1-related disorders; ATP8B1-related condition.

Allele frequency attached by ClinVar (database versions not stated): gnomAD exomes 0.00003 and 0.00018; gnomAD 0.00004 and 0.00005; TOPMed 0.00005; ExAC 0.00016.

Submissions (3):

PreventionGenetics, part of Exact Sciences
Classification: Uncertain significance for ATP8B1-related condition. Last evaluated: 2026-06-16. Review status: criteria provided, single submitter. Criteria: ACMG Guidelines, 2015. Collection method: clinical testing. Allele origin: germline.
Comment: The ATP8B1 c.1325A>G variant is predicted to result in the amino acid substitution p.Asn442Ser. To our knowledge, this variant has not been reported in the literature. This variant is reported in 0.13% of alleles in individuals of Latino descent in gnomAD, which may be to common to be causative. Although we suspect that this variant may be benign, at this time, the clinical significance of this variant is uncertain due to the absence of conclusive functional and genetic evidence.

Ambry Genetics
Classification: Uncertain significance for Inborn genetic diseases. Last evaluated: 2025-05-21. Review status: criteria provided, single submitter. Criteria: Ambry Variant Classification Scheme 2023. Collection method: clinical testing. Allele origin: germline.

Baylor Genetics
Classification: Uncertain significance for Benign recurrent intrahepatic cholestasis type 1. Last evaluated: 2019-07-31. Review status: criteria provided, single submitter. Criteria: ACMG Guidelines, 2015. Collection method: clinical testing. Allele origin: unknown. Affected: yes.
Comment: This variant was determined to be of uncertain significance according to ACMG Guidelines, 2015 [PMID:25741868].

NM_001374385.1(ATP8B1):c.1325A>G (p.Asn442Ser)

Gene: ATP8B1 (ATPase phospholipid transporting 8B1; minus strand). Cytogenetic location: 18q21.31.
Variant type: single nucleotide variant.
Coding change: c.1325A>G on transcript NM_001374385.1 (MANE Select); coding-DNA position 1325, A replaced by G.
Protein change: p.Asn442Ser; replaces asparagine 442 with serine.
Molecular consequence: missense variant.
Genome position (GRCh38, 1-based): chr18:57,688,403, T>C on the plus strand (A>G on the coding strand, the complement: ATP8B1 is on the minus strand). VCF-style: chr18-57688403-T-C. GRCh37 (hg19) VCF-style: chr18-55355635-T-C.
Other names: c.1175A>G, p.Asn392Ser (NM_001374386.1); c.1325A>G, p.Asn442Ser (NM_005603.6); short protein forms N442S, N392S.
Identifiers: ClinVar variation 1028919 (VCV001028919.5), dbSNP rs755385749, ClinGen allele CA8974603.
Genomic context (GRCh38, chr18:57,688,403, plus strand): 5'-TTTTGTGTGAGTGTCCCCGTCTTATCAGAGAAGATATAATGGATCTGCCCGAGCTGTTCA[T>C]TGAGTGTGGTGGTTCTAGCTTTTGCGGGTGTGTCCTTCTCAGCATAGTACATTTGCAGGT-3'
Protein context (NP_001361314.1, residues 432-452): TPAKARTTTL[Asn442Ser]EQLGQIHYIF